The following is an entry in ClinVar:

ClinVar aggregate classification (germline): Likely pathogenic (1 of 4 stars; one submission).

Submission:

Labcorp Genetics (formerly Invitae), Labcorp
Classification: Likely pathogenic. Last evaluated: 2019-11-26. Review status: criteria provided, single submitter. Criteria: Invitae Variant Classification Sherloc (09022015). Collection method: clinical testing. Allele origin: germline.
Comment: In summary, the currently available evidence indicates that the variant is pathogenic, but additional data are needed to prove that conclusively. Therefore, this variant has been classified as Likely Pathogenic. Donor and acceptor splice site variants typically lead to a loss of protein function (PMID: 16199547), and loss-of-function variants in SZT2 are known to be pathogenic (PMID: 23932106, 27248490, 28556953). Algorithms developed to predict the effect of sequence changes on RNA splicing suggest that this variant may disrupt the consensus splice site, but this prediction has not been confirmed by published transcriptional studies. This variant has not been reported in the literature in individuals with SZT2-related conditions. This variant is not present in population databases (ExAC no frequency). This sequence change affects a donor splice site in intron 50 of the SZT2 gene. It is expected to disrupt RNA splicing and likely results in an absent or disrupted protein product.

Literature cited by the submitters: PubMed 16199547; PubMed 23932106; PubMed 27248490; PubMed 28556953.

NM_001365999.1(SZT2):c.7210+1G>T

Gene: SZT2 (SZT2 subunit of KICSTOR complex; plus strand). Cytogenetic location: 1p34.2.
Variant type: single nucleotide variant.
Coding change: c.7210+1G>T on transcript NM_001365999.1 (MANE Select); the canonical splice donor site of the intron after coding-DNA position 7210, G replaced by T.
Molecular consequence: splice donor variant.
Genome position (GRCh38, 1-based): chr1:43,440,049, G>T. VCF-style: chr1-43440049-G-T. GRCh37 (hg19) VCF-style: chr1-43905720-G-T.
Other names: c.7039+1G>T (NM_015284.4).
Identifiers: ClinVar variation 841892 (VCV000841892.8), dbSNP rs1227738008, ClinGen allele CA340033703.